The following is an entry in ClinVar:

ClinVar aggregate classification (germline): Uncertain significance (1 of 4 stars; one submission).

Conditions:
Spermatogenic failure 18. Identifiers: MedGen C4539783, MONDO:0054615, OMIM 617576.
Ciliary dyskinesia, primary, 37 (CILD37). Also called: CILIARY DYSKINESIA, PRIMARY, 37, WITH OR WITHOUT SITUS INVERSUS. Identifiers: MedGen C4539798, MONDO:0033204, OMIM 617577.

Allele frequency attached by ClinVar (database versions not stated): gnomAD exomes 0.00001; ExAC 0.00003; gnomAD 0.00004; TOPMed 0.00004; 1000 Genomes Project 30x 0.00016.
gnomAD v4.1: 19 of 1,607,336 alleles (0.0012%); highest among the groups gnomAD compares: Middle Eastern, 0.033%; no homozygotes.

Submission:

Labcorp Genetics (formerly Invitae), Labcorp
Classification: Uncertain significance for Ciliary dyskinesia, primary, 37; Spermatogenic failure 18. Last evaluated: 2023-01-03. Review status: criteria provided, single submitter. Criteria: Invitae Variant Classification Sherloc (09022015). Collection method: clinical testing. Allele origin: germline.
Comment: In summary, the available evidence is currently insufficient to determine the role of this variant in disease. Therefore, it has been classified as a Variant of Uncertain Significance. Advanced modeling of protein sequence and biophysical properties (such as structural, functional, and spatial information, amino acid conservation, physicochemical variation, residue mobility, and thermodynamic stability) performed at Invitae indicates that this missense variant is not expected to disrupt DNAH1 protein function. This variant has not been reported in the literature in individuals affected with DNAH1-related conditions. The frequency data for this variant in the population databases is considered unreliable, as metrics indicate poor data quality at this position in the gnomAD database. This sequence change replaces proline, which is neutral and non-polar, with leucine, which is neutral and non-polar, at codon 3923 of the DNAH1 protein (p.Pro3923Leu).

NM_015512.5(DNAH1):c.11768C>T (p.Pro3923Leu)

Gene: DNAH1 (dynein axonemal heavy chain 1; plus strand). Cytogenetic location: 3p21.1.
Variant type: single nucleotide variant.
Coding change: c.11768C>T on transcript NM_015512.5 (MANE Select); coding-DNA position 11768, C replaced by T.
Protein change: p.Pro3923Leu; replaces proline 3923 with leucine.
Molecular consequence: missense variant.
Genome position (GRCh38, 1-based): chr3:52,397,025, C>T. VCF-style: chr3-52397025-C-T. GRCh37 (hg19) VCF-style: chr3-52431041-C-T.
Other names: short protein forms P3923L.
Identifiers: ClinVar variation 2925248 (VCV002925248.2), dbSNP rs760015031, ClinGen allele CA2436275.